The following is an entry in ClinVar:

NM_006904.7(PRKDC):c.698A>G (p.Asn233Ser)

Gene: PRKDC (protein kinase, DNA-activated, catalytic subunit; minus strand). Cytogenetic location: 8q11.21.
Variant type: single nucleotide variant.
Coding change: c.698A>G on transcript NM_006904.7 (MANE Select); coding-DNA position 698, A replaced by G.
Protein change: p.Asn233Ser; replaces asparagine 233 with serine.
Molecular consequence: missense variant.
Genome position (GRCh38, 1-based): chr8:47,953,643, T>C on the plus strand (A>G on the coding strand, the complement: PRKDC is on the minus strand). VCF-style: chr8-47953643-T-C. GRCh37 (hg19) VCF-style: chr8-48866203-T-C.
Other names: c.698A>G, p.Asn233Ser (NM_001081640.2); short protein forms N233S.
Identifiers: ClinVar variation 2186741 (VCV002186741.2), dbSNP rs370770193, ClinGen allele CA4741957.

ClinVar aggregate classification (germline): Uncertain significance. Review status: criteria provided, multiple submitters, no conflicts (2 of 4 stars). 2 submissions from 2 submitters: Uncertain significance (2). Last evaluated 2022-03-29.

Conditions:
Severe combined immunodeficiency due to DNA-PKcs deficiency. Also called: IMMUNODEFICIENCY 26 WITH NEUROLOGIC ABNORMALITIES; Immunodeficiency 26 with or without neurologic abnormalities. Identifiers: Orphanet 317425, MedGen C4014833, MONDO:0014423, OMIM 615966.

Allele frequency attached by ClinVar (database versions not stated): gnomAD exomes 0.00001; ExAC 0.00003; gnomAD 0.00003; TOPMed 0.00003; ESP Exome Variant Server 0.00008.
gnomAD v4.1: 18 of 1,613,298 alleles (0.0011%); highest among the groups gnomAD compares: Middle Eastern, 0.016%; no homozygotes.

Submissions (2):

Ambry Genetics
Classification: Uncertain significance. Last evaluated: 2022-03-29. Review status: criteria provided, single submitter. Criteria: Ambry Variant Classification Scheme 2023. Collection method: clinical testing. Allele origin: germline.

Labcorp Genetics (formerly Invitae), Labcorp
Classification: Uncertain significance for Severe combined immunodeficiency due to DNA-PKcs deficiency. Last evaluated: 2021-12-13. Review status: criteria provided, single submitter. Criteria: Invitae Variant Classification Sherloc (09022015). Collection method: clinical testing. Allele origin: germline.
Comment: This sequence change replaces asparagine, which is neutral and polar, with serine, which is neutral and polar, at codon 233 of the PRKDC protein (p.Asn233Ser). This variant is present in population databases (rs370770193, gnomAD 0.005%). This variant has not been reported in the literature in individuals affected with PRKDC-related conditions. Experimental studies and prediction algorithms are not available or were not evaluated, and the functional significance of this variant is currently unknown. In summary, the available evidence is currently insufficient to determine the role of this variant in disease. Therefore, it has been classified as a Variant of Uncertain Significance.